The following is an entry in ClinVar:

NM_201384.3(PLEC):c.8933G>A (p.Arg2978His)

Gene: PLEC (plectin; minus strand). Cytogenetic location: 8q24.3.
Variant type: single nucleotide variant.
Coding change: c.8933G>A on transcript NM_201384.3 (MANE Select); coding-DNA position 8933, G replaced by A.
Protein change: p.Arg2978His; replaces arginine 2978 with histidine.
Molecular consequence: missense variant.
Genome position (GRCh38, 1-based): chr8:143,920,888, C>T on the plus strand (G>A on the coding strand, the complement: PLEC is on the minus strand). VCF-style: chr8-143920888-C-T. GRCh37 (hg19) VCF-style: chr8-144995056-C-T.
Other names: c.9014G>A, p.Arg3005His (NM_000445.5); c.8891G>A, p.Arg2964His (NM_201378.4); c.8867G>A, p.Arg2956His (NM_201379.3); c.9344G>A, p.Arg3115His (NM_201380.4); c.8837G>A, p.Arg2946His (NM_201381.3); c.8933G>A, p.Arg2978His (NM_201382.4); c.8945G>A, p.Arg2982His (NM_201383.3); short protein forms R2978H, R3115H, R3005H, R2946H, R2956H, R2964H, R2982H.
Identifiers: ClinVar variation 650323 (VCV000650323.8), dbSNP rs202227756, ClinGen allele CA4925134.

ClinVar aggregate classification (germline): Uncertain significance. Review status: criteria provided, multiple submitters, no conflicts (2 of 4 stars). 3 submissions from 3 submitters: Uncertain significance (3). Last evaluated 2026-04-07.

Conditions:
Epidermolysis bullosa simplex 5B, with muscular dystrophy (EBS5B). Also called: Epidermolysis bullosa simplex with muscular dystrophy; EPIDERMOLYSIS BULLOSA SIMPLEX AND LIMB-GIRDLE MUSCULAR DYSTROPHY. Identifiers: Orphanet 257, MedGen C2931072, MONDO:0009181, OMIM 226670.
Autosomal recessive limb-girdle muscular dystrophy type 2Q (LGMDR17). Also called: MUSCULAR DYSTROPHY, LIMB-GIRDLE, AUTOSOMAL RECESSIVE 17. Identifiers: Orphanet 254361, MedGen C3150989, MONDO:0013390, OMIM 613723.
Epidermolysis bullosa simplex 5C, with pyloric atresia (EBS5C). Also called: PLEC-Related Epidermolysis Bullosa with Pyloric Atresia; PLEC1-Related Epidermolysis Bullosa with Pyloric Atresia; Epidermolysis bullosa simplex with pyloric atresia. Identifiers: Orphanet 158684, MedGen C2677349, MONDO:0012807, OMIM 612138.
Epidermolysis bullosa simplex, Ogna type (EBS5A). Also called: Pidermolysis bullosa simplex 5A, Ogna type; EPIDERMOLYSIS BULLOSA SIMPLEX 5A, OGNA TYPE. Identifiers: Orphanet 79401, MedGen C0432317, MONDO:0007555, OMIM 131950.
Epidermolysis bullosa simplex with nail dystrophy (EBS5D). Identifiers: MedGen C4225309, MONDO:0014661, OMIM 616487.
PLEC-related disorder. Also called: PLEC-related condition; PLEC-related disorders.

Allele frequency attached by ClinVar (database versions not stated): gnomAD 0.00001 and 0.00005; TOPMed 0.00001; gnomAD exomes 0.00003 and 0.00007; ExAC 0.00009; 1000 Genomes Project 0.00040; 1000 Genomes Project 30x 0.00047.

Submissions (3):

PreventionGenetics, part of Exact Sciences
Classification: Uncertain significance for PLEC-related condition. Last evaluated: 2026-04-07. Review status: criteria provided, single submitter. Criteria: ACMG Guidelines, 2015. Collection method: clinical testing. Allele origin: germline.
Comment: The PLEC c.9014G>A variant is predicted to result in the amino acid substitution p.Arg3005His. To our knowledge, this variant has not been reported in the literature. This variant is reported in 0.043% of alleles in individuals of South Asian descent in gnomAD. At this time, the clinical significance of this variant is uncertain due to the absence of conclusive functional and genetic evidence.

Labcorp Genetics (formerly Invitae), Labcorp
Classification: Uncertain significance for Autosomal recessive limb-girdle muscular dystrophy type 2Q; Epidermolysis bullosa simplex, Ogna type; Epidermolysis bullosa simplex with nail dystrophy; Epidermolysis bullosa simplex 5C, with pyloric atresia; Epidermolysis bullosa simplex 5B, with muscular dystrophy. Last evaluated: 2023-12-09. Review status: criteria provided, single submitter. Criteria: Invitae Variant Classification Sherloc (09022015). Collection method: clinical testing. Allele origin: germline.
Comment: This sequence change replaces arginine, which is basic and polar, with histidine, which is basic and polar, at codon 3005 of the PLEC protein (p.Arg3005His). This variant is present in population databases (rs202227756, gnomAD 0.04%). This variant has not been reported in the literature in individuals affected with PLEC-related conditions. ClinVar contains an entry for this variant (Variation ID: 650323). Advanced modeling of protein sequence and biophysical properties (such as structural, functional, and spatial information, amino acid conservation, physicochemical variation, residue mobility, and thermodynamic stability) performed at Invitae indicates that this missense variant is not expected to disrupt PLEC protein function with a negative predictive value of 80%. In summary, the available evidence is currently insufficient to determine the role of this variant in disease. Therefore, it has been classified as a Variant of Uncertain Significance.

GeneDx
Classification: Uncertain significance. Last evaluated: 2022-05-27. Review status: criteria provided, single submitter. Criteria: GeneDx Variant Classification Process June 2021. Collection method: clinical testing. Allele origin: germline. Affected: yes.
Comment: In silico analysis supports that this missense variant has a deleterious effect on protein structure/function; Missense variant in a gene in which most reported pathogenic variants are truncating/loss of function; Has not been previously published as pathogenic or benign to our knowledge